The following is an entry in ClinVar:

ClinVar aggregate classification (germline): Uncertain significance. Review status: criteria provided, multiple submitters, no conflicts (2 of 4 stars). 3 submissions from 3 submitters: Uncertain significance (3). Last evaluated 2025-09-11.

Conditions:
PTPRO-related disorder. Also called: PTPRO-related condition.

gnomAD v4.1: 29 of 1,613,974 alleles (0.0018%); highest among the groups gnomAD compares: South Asian, 0.024%; no homozygotes.

Submissions (3):

PreventionGenetics, part of Exact Sciences
Classification: Uncertain significance for PTPRO-related condition. Last evaluated: 2025-09-11. Review status: criteria provided, single submitter. Criteria: ACMG Guidelines, 2015. Collection method: clinical testing. Allele origin: germline.
Comment: The PTPRO c.943A>G variant is predicted to result in the amino acid substitution p.Ser315Gly. To our knowledge, this variant has not been reported in the literature. This variant is reported in 0.029% of alleles in individuals of South Asian descent in gnomAD. At this time, the clinical significance of this variant is uncertain due to the absence of conclusive functional and genetic evidence.

Ambry Genetics
Classification: Uncertain significance. Last evaluated: 2025-03-18. Review status: criteria provided, single submitter. Criteria: Ambry Variant Classification Scheme 2023. Collection method: clinical testing. Allele origin: germline.

Blueprint Genetics
Classification: Uncertain significance. Last evaluated: 2024-09-13. Review status: criteria provided, single submitter. Criteria: ACMG Guidelines, 2015. Collection method: clinical testing. Allele origin: germline.

NM_030667.3(PTPRO):c.943A>G (p.Ser315Gly)

Gene: PTPRO (protein tyrosine phosphatase receptor type O; plus strand). Cytogenetic location: 12p12.3.
Variant type: single nucleotide variant.
Coding change: c.943A>G on transcript NM_030667.3 (MANE Select); coding-DNA position 943, A replaced by G.
Protein change: p.Ser315Gly; replaces serine 315 with glycine.
Molecular consequence: missense variant.
Genome position (GRCh38, 1-based): chr12:15,501,901, A>G. VCF-style: chr12-15501901-A-G. GRCh37 (hg19) VCF-style: chr12-15654835-A-G.
Other names: c.943A>G, p.Ser315Gly (NM_002848.4); short protein forms S315G.
Identifiers: ClinVar variation 3940903 (VCV003940903.3).